The following is an entry in ClinVar:

ClinVar aggregate classification (germline): Uncertain significance (1 of 4 stars; one submission).

Conditions:
Cardiovascular phenotype. Identifiers: MedGen CN230736.

gnomAD v4.1: 1 of 1,599,704 alleles (0.000063%); highest among the groups gnomAD compares: Non-Finnish European, 0.000085%; no homozygotes.

Submission:

Ambry Genetics
Classification: Uncertain significance for Cardiovascular phenotype. Last evaluated: 2026-05-17. Review status: criteria provided, single submitter. Criteria: Ambry Variant Classification Scheme 2023. Collection method: clinical testing. Allele origin: germline.
Comment: The p.P11S variant (also known as c.31C>T), located in coding exon 1 of the CACNA1C gene, results from a C to T substitution at nucleotide position 31. The proline at codon 11 is replaced by serine, an amino acid with similar properties. This amino acid position is conserved. In addition, the in silico prediction for this alteration is inconclusive. Based on the available evidence, the clinical significance of this variant remains unclear.

NM_000719.7(CACNA1C):c.31C>T (p.Pro11Ser)

Gene: CACNA1C (calcium voltage-gated channel subunit alpha1 C; plus strand). Cytogenetic location: 12p13.33.
Variant type: single nucleotide variant.
Coding change: c.31C>T on transcript NM_000719.7 (MANE Select); coding-DNA position 31, C replaced by T.
Protein change: p.Pro11Ser; replaces proline 11 with serine.
Molecular consequence: missense variant.
Genome position (GRCh38, 1-based): chr12:2,053,593, C>T. VCF-style: chr12-2053593-C-T. GRCh37 (hg19) VCF-style: chr12-2162759-C-T.
Other names: c.31C>T, p.Pro11Ser (NM_001129827.2, NM_001129829.2, NM_001129830.3 and 19 more transcripts); short protein forms P11S.
Identifiers: ClinVar variation 4868064 (VCV004868064.1).